The following is an entry in ClinVar:

ClinVar aggregate classification (germline): Uncertain significance (1 of 4 stars; one submission).

Conditions:
Radio-Tartaglia syndrome. Identifiers: Orphanet 662234, MedGen C5543339, MONDO:0859143, OMIM 619312.

Submission:

Juno Genomics, Hangzhou Juno Genomics, Inc
Classification: Uncertain significance for Radio-Tartaglia syndrome. Review status: criteria provided, single submitter. Criteria: ACMG Guidelines, 2015. Collection method: clinical testing. Allele origin: germline.
Comment: Absent from controls (or at extremely low frequency if recessive) in Genome Aggregation Database.;De novo (both maternity and paternity confirmed) in a patient with the disease and no family history.;Missense variant in a gene that has a low rate of benign missense variation.

NM_015001.3(SPEN):c.181A>G (p.Lys61Glu)

Gene: SPEN (spen family transcriptional repressor; plus strand). Cytogenetic location: 1p36.21.
Variant type: single nucleotide variant.
Coding change: c.181A>G on transcript NM_015001.3 (MANE Select); coding-DNA position 181, A replaced by G.
Protein change: p.Lys61Glu; replaces lysine 61 with glutamic acid.
Molecular consequence: missense variant.
Genome position (GRCh38, 1-based): chr1:15,872,913, A>G. VCF-style: chr1-15872913-A-G. GRCh37 (hg19) VCF-style: chr1-16199408-A-G.
Other names: short protein forms K61E.
Identifiers: ClinVar variation 5004990 (VCV005004990.2).